The following is an entry in ClinVar:

NM_001128225.3(SLC39A13):c.38G>A (p.Gly13Asp)

Gene: SLC39A13 (solute carrier family 39 member 13; plus strand). Cytogenetic location: 11p11.2.
Variant type: single nucleotide variant.
Coding change: c.38G>A on transcript NM_001128225.3 (MANE Select); coding-DNA position 38, G replaced by A.
Protein change: p.Gly13Asp; replaces glycine 13 with aspartic acid.
Molecular consequence: missense variant. On other transcripts: non-coding transcript variant (1).
Genome position (GRCh38, 1-based): chr11:47,410,132, G>A. VCF-style: chr11-47410132-G-A. GRCh37 (hg19) VCF-style: chr11-47431683-G-A.
Other names: c.38G>A, p.Gly13Asp (NM_001330245.2, NM_152264.5); short protein forms G13D.
Identifiers: ClinVar variation 3390397 (VCV003390397.1).

ClinVar aggregate classification (germline): Uncertain significance (1 of 4 stars; one submission).

Submission:

GeneDx
Classification: Uncertain significance. Last evaluated: 2024-06-12. Review status: criteria provided, single submitter. Criteria: GeneDx Variant Classification Process June 2021. Collection method: clinical testing. Allele origin: germline. Affected: yes.
Comment: Not observed at significant frequency in large population cohorts (gnomAD); In silico analysis indicates that this missense variant does not alter protein structure/function; Has not been previously published as pathogenic or benign to our knowledge